The following is an entry in ClinVar:

NM_001387430.1(SH2B1):c.46C>T (p.Pro16Ser)

Gene: SH2B1 (SH2B adaptor protein 1; plus strand). Cytogenetic location: 16p11.2.
Variant type: single nucleotide variant.
Coding change: c.46C>T on transcript NM_001387430.1 (MANE Select); coding-DNA position 46, C replaced by T.
Protein change: p.Pro16Ser; replaces proline 16 with serine.
Molecular consequence: missense variant. On other transcripts: intron variant (1).
Genome position (GRCh38, 1-based): chr16:28,866,140, C>T. VCF-style: chr16-28866140-C-T. GRCh37 (hg19) VCF-style: chr16-28877461-C-T.
Other names: c.46C>T, p.Pro16Ser (NM_001145795.2, NM_001145796.2, NM_001145797.2 and 4 more transcripts); c.-26-1234C>T (NM_001308294.2); short protein forms P16S.
Identifiers: ClinVar variation 3350252 (VCV003350252.3).

ClinVar aggregate classification (germline): Uncertain significance. Review status: criteria provided, multiple submitters, no conflicts (2 of 4 stars). 2 submissions from 2 submitters: Uncertain significance (2). Last evaluated 2026-05-11.

Conditions:
SH2B1-related disorder. Also called: SH2B1-related condition.

gnomAD v4.1: 76 of 1,532,348 alleles (0.005%); highest among the groups gnomAD compares: Middle Eastern, 0.14%; 2 homozygotes.

Submissions (2):

PreventionGenetics, part of Exact Sciences
Classification: Uncertain significance for SH2B1-related condition. Last evaluated: 2026-05-11. Review status: criteria provided, single submitter. Criteria: ACMG Guidelines, 2015. Collection method: clinical testing. Allele origin: germline.
Comment: The SH2B1 c.46C>T variant is predicted to result in the amino acid substitution p.Pro16Ser. To our knowledge, this variant has not been reported to be associated with obesity in the literature. It was detected in the heterozygous state in one lean control individual in an obesity study (Aerts et al. 2015. PubMed ID: 26031769). This variant is reported in 0.066% of alleles in individuals of African descent in gnomAD. Although we suspect that this variant may be benign, at this time, the clinical significance of this variant is uncertain due to the absence of conclusive functional and genetic evidence.

Labcorp Genetics (formerly Invitae), Labcorp
Classification: Uncertain significance. Last evaluated: 2025-08-17. Review status: criteria provided, single submitter. Criteria: Invitae Variant Classification Sherloc (09022015). Collection method: clinical testing. Allele origin: germline.
Comment: This sequence change replaces proline, which is neutral and non-polar, with serine, which is neutral and polar, at codon 16 of the SH2B1 protein (p.Pro16Ser). This variant is present in population databases (rs532206639, gnomAD 0.06%). This variant has not been reported in the literature in individuals affected with SH2B1-related conditions. ClinVar contains an entry for this variant (Variation ID: 3350252). An algorithm developed to predict the effect of missense changes on protein structure and function (PolyPhen-2) suggests that this variant is likely to be disruptive. In summary, the available evidence is currently insufficient to determine the role of this variant in disease. Therefore, it has been classified as a Variant of Uncertain Significance.